The following is an entry in ClinVar:

ClinVar aggregate classification (germline): Uncertain significance (1 of 4 stars; one submission).

Conditions:
RYR1-related disorder. Also called: RYR1-related condition; RYR1-related disorders. Identifiers: MedGen CN239331.

Allele frequency attached by ClinVar (database versions not stated): TOPMed below 0.00001.

Submission:

Labcorp Genetics (formerly Invitae), Labcorp
Classification: Uncertain significance for RYR1-related disorder. Last evaluated: 2023-03-20. Review status: criteria provided, single submitter. Criteria: Invitae Variant Classification Sherloc (09022015). Collection method: clinical testing. Allele origin: germline.
Comment: In summary, the available evidence is currently insufficient to determine the role of this variant in disease. Therefore, it has been classified as a Variant of Uncertain Significance. Variants that disrupt the consensus splice site are a relatively common cause of aberrant splicing (PMID: 17576681, 9536098). Algorithms developed to predict the effect of sequence changes on RNA splicing suggest that this variant may disrupt the consensus splice site. An algorithm developed to predict the effect of missense changes on protein structure and function (PolyPhen-2) suggests that this variant is likely to be disruptive. This variant has not been reported in the literature in individuals affected with RYR1-related conditions. This variant is not present in population databases (gnomAD no frequency). This sequence change replaces serine, which is neutral and polar, with threonine, which is neutral and polar, at codon 642 of the RYR1 protein (p.Ser642Thr). This variant also falls at the last nucleotide of exon 17, which is part of the consensus splice site for this exon.

Literature cited by the submitters: PubMed 17576681; PubMed 9536098.

NM_000540.3(RYR1):c.1925G>C (p.Ser642Thr)

Gene: RYR1 (ryanodine receptor 1; plus strand). Cytogenetic location: 19q13.2.
Variant type: single nucleotide variant.
Coding change: c.1925G>C on transcript NM_000540.3 (MANE Select); coding-DNA position 1925, G replaced by C.
Protein change: p.Ser642Thr; replaces serine 642 with threonine.
Molecular consequence: missense variant.
Genome position (GRCh38, 1-based): chr19:38,457,630, G>C. VCF-style: chr19-38457630-G-C. GRCh37 (hg19) VCF-style: chr19-38948270-G-C.
Other names: c.1925G>C, p.Ser642Thr (NM_001042723.2); short protein forms S642T.
Identifiers: ClinVar variation 2980314 (VCV002980314.1), dbSNP rs1967488081, ClinGen allele CA405694470.
Genomic context (GRCh38, chr19:38,457,630, plus strand): 5'-AGAACTTGCTGCCTGGCCGTGAGCTTCTGCTGCAGACAAACCTCATCAACTATGTCACCA[G>C]GTCTGGCTCTCAACATCTGACCCCAGAACTCAGAACCTCTCAACCCTCTCCCTGACTTAG-3'
Protein context (NP_000531.2, residues 632-652): LQTNLINYVT[Ser642Thr]IRPNIFVGRA